The following is an entry in ClinVar:

ClinVar aggregate classification (germline): Uncertain significance (1 of 4 stars; one submission).

Conditions:
Inborn genetic diseases. Identifiers: MedGen C0950123, MeSH D030342.

Submission:

Ambry Genetics
Classification: Uncertain significance for Inborn genetic diseases. Last evaluated: 2021-09-09. Review status: criteria provided, single submitter. Criteria: Ambry Variant Classification Scheme 2023. Collection method: clinical testing. Allele origin: germline.
Comment: The c.3758+6C>A intronic variant results from a C to A substitution 6 nucleotides after coding exon 32 in the DNMT1 gene. This nucleotide position is not well conserved in available vertebrate species. In silico splice site analysis predicts that this alteration will not have any significant effect on splicing. Since supporting evidence is limited at this time, the clinical significance of this alteration remains unclear.

NM_001130823.3(DNMT1):c.3806+6C>A

Gene: DNMT1 (DNA methyltransferase 1; minus strand). Cytogenetic location: 19p13.2.
Variant type: single nucleotide variant.
Coding change: c.3806+6C>A on transcript NM_001130823.3 (MANE Select); 6 bases into the intron after coding-DNA position 3806, C replaced by A.
Molecular consequence: intron variant.
Genome position (GRCh38, 1-based): chr19:10,140,040, G>T on the plus strand (C>A on the coding strand, the complement: DNMT1 is on the minus strand). VCF-style: chr19-10140040-G-T. GRCh37 (hg19) VCF-style: chr19-10250716-G-T.
Other names: c.3443+6C>A (NM_001318731.2); c.3758+6C>A (NM_001379.4, NM_001318730.2).
Identifiers: ClinVar variation 1734609 (VCV001734609.2), dbSNP rs371779379, ClinGen allele CA631709175.
Genomic context (GRCh38, chr19:10,140,040, plus strand): 5'-ACCACTGCTGACATGCGGCACAGCCCCGGGCCGTCTGGCAACACTGGGGGGCTTCTACCC[G>T]TTTACCTGAGGAAGGAAACCACCAGAGAGTTTTTGAACTTGGAGTAGGTGCGCGAATTGA-3'